The following is an entry in ClinVar:

NM_005859.5(PURA):c.651G>T (p.Glu217Asp)

Gene: PURA (purine rich element binding protein A; plus strand). Cytogenetic location: 5q31.3.
Variant type: single nucleotide variant.
Coding change: c.651G>T on transcript NM_005859.5 (MANE Select); coding-DNA position 651, G replaced by T.
Protein change: p.Glu217Asp; replaces glutamic acid 217 with aspartic acid.
Molecular consequence: missense variant.
Genome position (GRCh38, 1-based): chr5:140,114,832, G>T. VCF-style: chr5-140114832-G-T. GRCh37 (hg19) VCF-style: chr5-139494417-G-T.
Other names: short protein forms E217D.
Identifiers: ClinVar variation 1986847 (VCV001986847.4), dbSNP rs2479505827, ClinGen allele CA361491238.

ClinVar aggregate classification (germline): Uncertain significance (1 of 4 stars; one submission).

Conditions:
PURA-related severe neonatal hypotonia-seizures-encephalopathy syndrome (NEDRIHF). Also called: NEURODEVELOPMENTAL DISORDER WITH NEONATAL RESPIRATORY INSUFFICIENCY, HYPOTONIA, AND FEEDING DIFFICULTIES; PURA-Related Neurodevelopmental Disorders. Identifiers: Orphanet 438213, Orphanet 438216, MedGen C4015357, MONDO:1060108, OMIM 616158, MONDO:0018580.

Allele frequency attached by ClinVar (database versions not stated): gnomAD exomes below 0.00001.
gnomAD v4.1: 2 of 1,614,208 alleles (0.00012%); highest among the groups gnomAD compares: Non-Finnish European, 0.00017%; no homozygotes.

Submission:

Labcorp Genetics (formerly Invitae), Labcorp
Classification: Uncertain significance for PURA-related severe neonatal hypotonia-seizures-encephalopathy syndrome. Last evaluated: 2022-05-31. Review status: criteria provided, single submitter. Criteria: Invitae Variant Classification Sherloc (09022015). Collection method: clinical testing. Allele origin: germline.
Comment: In summary, the available evidence is currently insufficient to determine the role of this variant in disease. Therefore, it has been classified as a Variant of Uncertain Significance. Algorithms developed to predict the effect of missense changes on protein structure and function are either unavailable or do not agree on the potential impact of this missense change (SIFT: "Tolerated"; PolyPhen-2: "Probably Damaging"; Align-GVGD: "Class C0"). This variant has not been reported in the literature in individuals affected with PURA-related conditions. This variant is not present in population databases (gnomAD no frequency). This sequence change replaces glutamic acid, which is acidic and polar, with aspartic acid, which is acidic and polar, at codon 217 of the PURA protein (p.Glu217Asp).